The following is an entry in ClinVar:

NM_003846.3(PEX11B):c.211G>T (p.Ala71Ser)

Gene: PEX11B (peroxisomal biogenesis factor 11 beta; minus strand). Cytogenetic location: 1q21.1.
Variant type: single nucleotide variant.
Coding change: c.211G>T on transcript NM_003846.3 (MANE Select); coding-DNA position 211, G replaced by T.
Protein change: p.Ala71Ser; replaces alanine 71 with serine.
Molecular consequence: missense variant. On other transcripts: non-coding transcript variant (3).
Genome position (GRCh38, 1-based): chr1:145,916,980, C>A on the plus strand (G>T on the coding strand, the complement: PEX11B is on the minus strand). VCF-style: chr1-145916980-C-A. GRCh37 (hg19) VCF-style: chr1-145518109-G-T.
Other names: c.169G>T, p.Ala57Ser (NM_001184795.1); short protein forms A57S, A71S.
Identifiers: ClinVar variation 1025764 (VCV001025764.8), dbSNP rs782553429, ClinGen allele CA342123686.

ClinVar aggregate classification (germline): Uncertain significance (1 of 4 stars; one submission).

Allele frequency attached by ClinVar (database versions not stated): gnomAD exomes 0.00001 and 0.00004.
gnomAD v4.1: 54 of 1,613,716 alleles (0.0033%); highest among the groups gnomAD compares: Non-Finnish European, 0.0046%; no homozygotes.

Submission:

Labcorp Genetics (formerly Invitae), Labcorp
Classification: Uncertain significance. Last evaluated: 2022-02-03. Review status: criteria provided, single submitter. Criteria: Invitae Variant Classification Sherloc (09022015). Collection method: clinical testing. Allele origin: germline.
Comment: ClinVar contains an entry for this variant (Variation ID: 1025764). This variant has not been reported in the literature in individuals affected with PEX11B-related conditions. This variant is present in population databases (rs782553429, gnomAD 0.003%). This sequence change replaces alanine, which is neutral and non-polar, with serine, which is neutral and polar, at codon 71 of the PEX11B protein (p.Ala71Ser). In summary, the available evidence is currently insufficient to determine the role of this variant in disease. Therefore, it has been classified as a Variant of Uncertain Significance. Algorithms developed to predict the effect of missense changes on protein structure and function are either unavailable or do not agree on the potential impact of this missense change (SIFT: "Deleterious"; PolyPhen-2: "Probably Damaging"; Align-GVGD: "Class C0").